The following is an entry in ClinVar:

ClinVar aggregate classification (germline): Uncertain significance. Review status: criteria provided, multiple submitters, no conflicts (2 of 4 stars). 2 submissions from 2 submitters: Uncertain significance (2). Last evaluated 2026-01-30.

Conditions:
Inborn genetic diseases. Identifiers: MedGen C0950123, MeSH D030342.

Allele frequency attached by ClinVar (database versions not stated): gnomAD 0.00001; gnomAD exomes 0.00001; TOPMed 0.00002.
gnomAD v4.1: 17 of 1,610,822 alleles (0.0011%); highest among the groups gnomAD compares: African/African-American, 0.004%; no homozygotes.

Submissions (3):

Women's Health and Genetics/Laboratory Corporation of America, LabCorp
Classification: Uncertain significance. Last evaluated: 2026-01-30. Review status: criteria provided, single submitter. Criteria: LabCorp Variant Classification Summary - May 2015. Collection method: clinical testing. Allele origin: germline.
Comment: Variant summary: PPIB c.134A>G (p.Lys45Arg) results in a conservative amino acid change in the encoded protein sequence. Algorithms developed to predict the effect of missense changes on protein structure and function are either unavailable or do not agree on the potential impact of this missense change. Several computational tools predict a significant impact on normal splicing: Four predict the variant abolishes the canonical 5' splicing donor site. However, these predictions have yet to be confirmed by functional studies. The variant allele was found at a frequency of 4.1e-06 in 241644 control chromosomes. The available data on variant occurrences in the general population are insufficient to allow any conclusion about variant significance. To our knowledge, no occurrence of c.134A>G in individuals affected with PPIB-related conditions and no experimental evidence demonstrating its impact on protein function have been reported. ClinVar contains an entry for this variant (Variation ID: 2261839). Based on the evidence outlined above, the variant was classified as uncertain significance.

Ambry Genetics
Classification: Uncertain significance for Inborn genetic diseases. Last evaluated: 2025-08-14. Review status: criteria provided, single submitter. Criteria: Ambry Variant Classification Scheme 2023. Collection method: clinical testing. Allele origin: germline.

Dr. Peter K. Rogan Lab, Western University
No classification provided (evidence only). Condition: Cervical cancer. Review status: no classification provided. Collection method: in vitro. Allele origin: not applicable. Functional consequence: retained intron. Not counted in ClinVar's aggregate classification.

NM_000942.5(PPIB):c.134A>G (p.Lys45Arg)

Gene: PPIB (peptidylprolyl isomerase B; minus strand). Cytogenetic location: 15q22.31.
Variant type: single nucleotide variant.
Coding change: c.134A>G on transcript NM_000942.5 (MANE Select); coding-DNA position 134, A replaced by G.
Protein change: p.Lys45Arg; replaces lysine 45 with arginine.
Molecular consequence: missense variant.
Genome position (GRCh38, 1-based): chr15:64,162,853, T>C on the plus strand (A>G on the coding strand, the complement: PPIB is on the minus strand). VCF-style: chr15-64162853-T-C. GRCh37 (hg19) VCF-style: chr15-64455052-T-C.
Other names: NC_000015.9:g.64455052T>C; short protein forms K45R.
Identifiers: ClinVar variation 2261839 (VCV002261839.5), dbSNP rs962538470, ClinGen allele CA271416081.
Genomic context (GRCh38, chr15:64,162,853, plus strand): 5'-AAGCCAAGGCCGCCCGGGCCCGAGCTCCGGCACCGTAAATGCCGCGGACTCCACCGGACC[T>C]TGACGGTGACTTTGGGCCCCTTCTTCTTCTCATCGGCCGCAGAAGGTCCCGGCAGCAGCA-3'
Protein context (NP_000933.1, residues 35-55): EKKKGPKVTV[Lys45Arg]VYFDLRIGDE